The following is an entry in ClinVar:

GRCh38/hg38 7q11.1-11.21(chr7:61006478-62410831)x1

Gene: TRH-GTG2-1 (tRNA-His (GTG) 2-1). Cytogenetic location: 7q11.1-11.21.
Variant type: copy number loss.
Change: copy number 1 (one copy instead of two) of chr7:61,006,478-62,410,831 (1.40 Mb, GRCh38 coordinates, 1-based), cytogenetic band 7q11.1-11.21.
Identifiers: ClinVar variation 160951 (VCV000160951.1).

ClinVar aggregate classification (germline): Benign (1 of 4 stars; one submission).

Submission:

ISCA site 4
Classification: Benign. Last evaluated: 2011-08-12. Review status: criteria provided, single submitter. Criteria: Kaminsky et al. (Genet Med. 2011). Collection method: clinical testing. Allele origin: unknown. Affected: yes. Observed: 1 variant allele.
Comment: Copy number variation identified through the course of routine clinical cytogenomic testing in postnatal populations. Clinical assertions have been curated as described in Kaminsky et al. 2011.